The following is an entry in ClinVar:

NM_001244008.2(KIF1A):c.1768+19G>A

Gene: KIF1A (kinesin family member 1A; minus strand). Cytogenetic location: 2q37.3.
Variant type: single nucleotide variant.
Coding change: c.1768+19G>A on transcript NM_001244008.2 (MANE Select); 19 bases into the intron after coding-DNA position 1768, G replaced by A.
Molecular consequence: intron variant.
Genome position (GRCh38, 1-based): chr2:240,765,691, C>T on the plus strand (G>A on the coding strand, the complement: KIF1A is on the minus strand). VCF-style: chr2-240765691-C-T. GRCh37 (hg19) VCF-style: chr2-241705108-C-T.
Other names: c.1741+19G>A (NM_001379653.1, NM_001379650.1, NM_001379645.1 and 10 more transcripts); c.1843+19G>A (NM_001379635.1, NM_001330290.2, NM_001379646.1 and 2 more transcripts); c.1816+19G>A (NM_001379637.1, NM_001379648.1); c.1768+19G>A (NM_001320705.2, NM_001379638.1, NM_001330289.2).
Identifiers: ClinVar variation 514643 (VCV000514643.9), dbSNP rs1435141768, ClinGen allele CA540552859.
Genomic context (GRCh38, chr2:240,765,691, plus strand): 5'-CGGTGGCTTGGACATGGGAACAGAGGCCTCGCCTCATGCCTCTGCCTACCTGACTGGCCC[C>T]CGGAGTCCCCAGCCATACCTGAACGCAGGATGCTGGGCTCTGTGACTTTCTTGCCATTGA-3'

ClinVar aggregate classification (germline): Likely benign. Review status: criteria provided, multiple submitters, no conflicts (2 of 4 stars). 2 submissions from 2 submitters: Likely benign (2). Last evaluated 2024-09-14.

Conditions:
Neuropathy, hereditary sensory, type 2C. Also called: KIF1A-Related HSAN2 (HSAN2C); Hereditary sensory and autonomic neuropathy type IIC. Identifiers: Orphanet 970, MedGen C3280168, MONDO:0013634, OMIM 614213.
Intellectual disability, autosomal dominant 9 (NESCAVS). Also called: NESCAV SYNDROME; KIF1A-Related Neurodevelopmental Disorder. Identifiers: Orphanet 662367, MedGen C5393830, MONDO:0013656, OMIM 614255.
Hereditary spastic paraplegia 30. Identifiers: Orphanet 101010, MedGen C5235139, MONDO:0012476.

Allele frequency attached by ClinVar (database versions not stated): TOPMed 0.00002; gnomAD 0.00003; gnomAD exomes 0.00003.
gnomAD v4.1: 43 of 1,603,514 alleles (0.0027%); highest among the groups gnomAD compares: Non-Finnish European, 0.0037%; no homozygotes.

Submissions (2):

Labcorp Genetics (formerly Invitae), Labcorp
Classification: Likely benign for Hereditary spastic paraplegia 30; Neuropathy, hereditary sensory, type 2C; Intellectual disability, autosomal dominant 9. Last evaluated: 2024-09-14. Review status: criteria provided, single submitter. Criteria: Invitae Variant Classification Sherloc (09022015). Collection method: clinical testing. Allele origin: germline.

GeneDx
Classification: Likely benign. Last evaluated: 2018-01-09. Review status: criteria provided, single submitter. Criteria: GeneDx Variant Classification (06012015). Collection method: clinical testing. Allele origin: germline. Affected: yes.
Comment: This variant is considered likely benign or benign based on one or more of the following criteria: it is a conservative change, it occurs at a poorly conserved position in the protein, it is predicted to be benign by multiple in silico algorithms, and/or has population frequency not consistent with disease.